The following is an entry in ClinVar:

ClinVar aggregate classification (germline): Likely pathogenic (1 of 4 stars; one submission).

Conditions:
Autosomal dominant Alport syndrome (ATS3A). Also called: Alport syndrome dominant type; Renal failure and sensorineural hearing loss; ALPORT SYNDROME 3A, AUTOSOMAL DOMINANT. Identifiers: Orphanet 63, Orphanet 88918, MedGen C5882663, MONDO:0007086, OMIM 104200.

Submission:

Centre de Génétique Humaine, Institut de Pathologie Et de Génétique
Classification: Likely pathogenic for Autosomal dominant Alport syndrome. Last evaluated: 2026-05-12. Review status: criteria provided, single submitter. Criteria: ACMG Guidelines, 2015. Collection method: clinical testing. Allele origin: germline. Inheritance: Autosomal dominant inheritance. Affected: yes. Observed: 1 variant allele, 1 heterozygote. Segregation with disease not observed.
Comment: This missense variant involves a highly conserved glycine located in a ‘Gly-X-Y’ motif in collagenous region, which is characteristic of the pathogenic variants identified in the COL4A4 gene (PM1,PP2). This variant is rare: absent in gnomAD v4.1.0 database (PM2). In silico analysis supports that this missense variant has a deleterious effect (PP3)

NM_000092.5(COL4A4):c.3325G>A (p.Gly1109Ser)

Gene: COL4A4 (collagen type IV alpha 4 chain; minus strand). Cytogenetic location: 2q36.3.
Variant type: single nucleotide variant.
Coding change: c.3325G>A on transcript NM_000092.5 (MANE Select); coding-DNA position 3325, G replaced by A.
Protein change: p.Gly1109Ser; replaces glycine 1109 with serine.
Molecular consequence: missense variant.
Genome position (GRCh38, 1-based): chr2:227,043,149, C>T on the plus strand (G>A on the coding strand, the complement: COL4A4 is on the minus strand). VCF-style: chr2-227043149-C-T. GRCh37 (hg19) VCF-style: chr2-227907865-C-T.
Other names: p.(Gly1109Ser); short protein forms G1109S.
Identifiers: ClinVar variation 4884699 (VCV004884699.1).